The following is an entry in ClinVar:

NM_000829.4(GRIA4):c.2076G>A (p.Met692Ile)

Gene: GRIA4 (glutamate ionotropic receptor AMPA type subunit 4; plus strand). Cytogenetic location: 11q22.3.
Variant type: single nucleotide variant.
Coding change: c.2076G>A on transcript NM_000829.4 (MANE Select); coding-DNA position 2076, G replaced by A.
Protein change: p.Met692Ile; replaces methionine 692 with isoleucine.
Molecular consequence: missense variant. On other transcripts: non-coding transcript variant (1).
Genome position (GRCh38, 1-based): chr11:105,933,751, G>A. VCF-style: chr11-105933751-G-A. GRCh37 (hg19) VCF-style: chr11-105804477-G-A.
Other names: c.2076G>A, p.Met692Ile (NM_001077243.3); short protein forms M692I.
Identifiers: ClinVar variation 4072559 (VCV004072559.1).

ClinVar aggregate classification (germline): Uncertain significance (1 of 4 stars; one submission).

Submission:

GeneDx
Classification: Uncertain significance. Last evaluated: 2025-01-28. Review status: criteria provided, single submitter. Criteria: GeneDx Variant Classification Process June 2021. Collection method: clinical testing. Allele origin: germline. Affected: yes.
Comment: Not observed at significant frequency in large population cohorts (gnomAD); In silico analysis supports that this missense variant has a deleterious effect on protein structure/function; Has not been previously published as pathogenic or benign to our knowledge